The following is an entry in ClinVar:

ClinVar aggregate classification (germline): Likely benign (1 of 4 stars; one submission).

Allele frequency attached by ClinVar (database versions not stated): TOPMed 0.00001.
gnomAD v4.1: 11 of 1,613,346 alleles (0.00068%); highest among the groups gnomAD compares: Admixed American, 0.0083%; no homozygotes.

Submission:

GeneDx
Classification: Likely benign. Last evaluated: 2015-10-08. Review status: criteria provided, single submitter. Criteria: GeneDx Variant Classification (06012015). Collection method: clinical testing. Allele origin: germline. Affected: yes.
Comment: This variant is considered likely benign or benign based on one or more of the following criteria: it is a conservative change, it occurs at a poorly conserved position in the protein, it is predicted to be benign by multiple in silico algorithms, and/or has population frequency not consistent with disease.

NM_001199107.2(TBC1D24):c.-15G>A

Gene: TBC1D24 (TBC1 domain family member 24; plus strand). Cytogenetic location: 16p13.3.
Variant type: single nucleotide variant.
Coding change: c.-15G>A on transcript NM_001199107.2 (MANE Select); 15 bases upstream of the start codon, G replaced by A.
Molecular consequence: 5 prime UTR variant.
Genome position (GRCh38, 1-based): chr16:2,496,134, G>A. VCF-style: chr16-2496134-G-A. GRCh37 (hg19) VCF-style: chr16-2546135-G-A.
Other names: c.-15G>A (NM_020705.3).
Identifiers: ClinVar variation 381017 (VCV000381017.1), dbSNP rs201377976, ClinGen allele CA7843899.